The following is an entry in ClinVar:

ClinVar aggregate classification (germline): Uncertain significance (1 of 4 stars; one submission).

Conditions:
Oligodontia-cancer predisposition syndrome. Also called: TOOTH AGENESIS-COLORECTAL CANCER SYNDROME. Identifiers: Orphanet 300576, MedGen C1837750, MONDO:0012075, OMIM 608615. Disease mechanism: loss of function.

Submission:

Labcorp Genetics (formerly Invitae), Labcorp
Classification: Uncertain significance for Oligodontia-cancer predisposition syndrome. Last evaluated: 2024-04-08. Review status: criteria provided, single submitter. Criteria: Invitae Variant Classification Sherloc (09022015). Collection method: clinical testing. Allele origin: germline.
Comment: This sequence change replaces threonine, which is neutral and polar, with lysine, which is basic and polar, at codon 826 of the AXIN2 protein (p.Thr826Lys). This variant is not present in population databases (gnomAD no frequency). This variant has not been reported in the literature in individuals affected with AXIN2-related conditions. ClinVar contains an entry for this variant (Variation ID: 1492192). Advanced modeling of protein sequence and biophysical properties (such as structural, functional, and spatial information, amino acid conservation, physicochemical variation, residue mobility, and thermodynamic stability) performed at Invitae indicates that this missense variant is not expected to disrupt AXIN2 protein function with a negative predictive value of 80%. In summary, the available evidence is currently insufficient to determine the role of this variant in disease. Therefore, it has been classified as a Variant of Uncertain Significance.

NM_004655.4(AXIN2):c.2477C>A (p.Thr826Lys)

Gene: AXIN2 (axin 2; minus strand). Cytogenetic location: 17q24.1.
Variant type: single nucleotide variant.
Coding change: c.2477C>A on transcript NM_004655.4 (MANE Select); coding-DNA position 2477, C replaced by A.
Protein change: p.Thr826Lys; replaces threonine 826 with lysine.
Molecular consequence: missense variant.
Genome position (GRCh38, 1-based): chr17:65,530,031, G>T on the plus strand (C>A on the coding strand, the complement: AXIN2 is on the minus strand). VCF-style: chr17-65530031-G-T. GRCh37 (hg19) VCF-style: chr17-63526149-G-T.
Other names: c.2282C>A, p.Thr761Lys (NM_001363813.1); short protein forms T826K, T761K.
Identifiers: ClinVar variation 1492192 (VCV001492192.8), dbSNP rs759355821, ClinGen allele CA400674819.
Genomic context (GRCh38, chr17:65,530,031, plus strand): 5'-AGGGCTCAATCGATCCGCTCCACTTTGCCCAGAATCCGGCCTTCATACATCGGGAGCACC[G>T]TCTCATCCTCCCAGATCTCCTCAAACACCGCTCCACAGGCAAACTCATCGCTTGCTTTTT-3'
Protein context (NP_004646.3, residues 816-836): AVFEEIWEDE[Thr826Lys]VLPMYEGRIL